The following is an entry in ClinVar:

ClinVar aggregate classification (germline): Uncertain significance (1 of 4 stars; one submission).

Conditions:
Pitt-Hopkins-like syndrome 2 (PTHSL2). Identifiers: Orphanet 221150, Orphanet 600663, MedGen C3280479, MONDO:0013690, OMIM 614325.

Submission:

Labcorp Genetics (formerly Invitae), Labcorp
Classification: Uncertain significance for Pitt-Hopkins-like syndrome 2. Last evaluated: 2020-02-02. Review status: criteria provided, single submitter. Criteria: Invitae Variant Classification Sherloc (09022015). Collection method: clinical testing. Allele origin: germline.
Comment: This variant is not present in population databases (ExAC no frequency). This variant has not been reported in the literature in individuals with NRXN1-related conditions. Algorithms developed to predict the effect of missense changes on protein structure and function are either unavailable or do not agree on the potential impact of this missense change (SIFT: "Deleterious"; PolyPhen-2: "Probably Damaging"; Align-GVGD: "Class C0"). In summary, the available evidence is currently insufficient to determine the role of this variant in disease. Therefore, it has been classified as a Variant of Uncertain Significance. This sequence change replaces leucine with phenylalanine at codon 687 of the NRXN1 protein (p.Leu687Phe). The leucine residue is highly conserved and there is a small physicochemical difference between leucine and phenylalanine.

NM_001330078.2(NRXN1):c.1941G>C (p.Leu647Phe)

Gene: NRXN1 (neurexin 1; minus strand). Cytogenetic location: 2p16.3.
Variant type: single nucleotide variant.
Coding change: c.1941G>C on transcript NM_001330078.2 (MANE Select); coding-DNA position 1941, G replaced by C.
Protein change: p.Leu647Phe; replaces leucine 647 with phenylalanine.
Molecular consequence: missense variant.
Genome position (GRCh38, 1-based): chr2:50,538,455, C>G on the plus strand (G>C on the coding strand, the complement: NRXN1 is on the minus strand). VCF-style: chr2-50538455-C-G. GRCh37 (hg19) VCF-style: chr2-50765593-C-G.
Other names: c.2061G>C, p.Leu687Phe (NM_001135659.3); c.1917G>C, p.Leu639Phe (NM_001330077.2, NM_001330082.2, NM_001330095.2); c.1902G>C, p.Leu634Phe (NM_001330083.2, NM_001330084.2); c.1941G>C, p.Leu647Phe (NM_001330085.2, NM_001330086.2, NM_004801.6); c.1857G>C, p.Leu619Phe (NM_001330087.2, NM_001330096.2); c.1887G>C, p.Leu629Phe (NM_001330088.2); c.1938G>C, p.Leu646Phe (NM_001330093.2); c.1929G>C, p.Leu643Phe (NM_001330094.2); short protein forms L619F, L629F, L634F, L639F, L643F, L646F, L647F, L687F.
Identifiers: ClinVar variation 1055335 (VCV001055335.9), dbSNP rs2105259758, ClinGen allele CA346770922.